The following is an entry in ClinVar:

ClinVar aggregate classification (germline): Conflicting classifications of pathogenicity. Review status: criteria provided, conflicting classifications (1 of 4 stars). 2 submissions from 2 submitters: Uncertain significance (1); Likely benign (1). Last evaluated 2024-10-02.

Conditions:
Fanconi anemia (FA). Also called: Fanconi's anemia. Identifiers: Orphanet 84, MedGen C0015625, MeSH D005199, MONDO:0019391.
Inborn genetic diseases. Identifiers: MedGen C0950123, MeSH D030342.

Allele frequency attached by ClinVar (database versions not stated): gnomAD exomes below 0.00001 and 0.00001; ExAC 0.00002; gnomAD 0.00002; TOPMed 0.00002; ESP Exome Variant Server 0.00008.
gnomAD v4.1: 4 of 1,613,946 alleles (0.00025%); highest among the groups gnomAD compares: African/African-American, 0.0053%; no homozygotes.

Submissions (2):

Ambry Genetics
Classification: Likely benign for Inborn genetic diseases. Last evaluated: 2024-10-02. Review status: criteria provided, single submitter. Criteria: Ambry Variant Classification Scheme 2023. Collection method: clinical testing. Allele origin: germline.

Labcorp Genetics (formerly Invitae), Labcorp
Classification: Uncertain significance for Fanconi anemia. Last evaluated: 2021-11-25. Review status: criteria provided, single submitter. Criteria: Invitae Variant Classification Sherloc (09022015). Collection method: clinical testing. Allele origin: germline.
Comment: In summary, the available evidence is currently insufficient to determine the role of this variant in disease. Therefore, it has been classified as a Variant of Uncertain Significance. Algorithms developed to predict the effect of missense changes on protein structure and function output the following: SIFT: "Tolerated"; PolyPhen-2: "Benign"; Align-GVGD: "Class C0". The alanine amino acid residue is found in multiple mammalian species, which suggests that this missense change does not adversely affect protein function. This variant has not been reported in the literature in individuals affected with FANCM-related conditions. This variant is present in population databases (rs369834971, gnomAD 0.01%). This sequence change replaces threonine, which is neutral and polar, with alanine, which is neutral and non-polar, at codon 1807 of the FANCM protein (p.Thr1807Ala).

NM_020937.4(FANCM):c.5419A>G (p.Thr1807Ala)

Gene: FANCM (FA complementation group M; plus strand). Cytogenetic location: 14q21.2.
Variant type: single nucleotide variant.
Coding change: c.5419A>G on transcript NM_020937.4 (MANE Select); coding-DNA position 5419, A replaced by G.
Protein change: p.Thr1807Ala; replaces threonine 1807 with alanine.
Molecular consequence: missense variant.
Genome position (GRCh38, 1-based): chr14:45,196,250, A>G. VCF-style: chr14-45196250-A-G. GRCh37 (hg19) VCF-style: chr14-45665453-A-G.
Other names: c.5341A>G, p.Thr1781Ala (NM_001308133.2); c.5419A>G (NM_020937.2); short protein forms T1781A, T1807A.
Identifiers: ClinVar variation 1394682 (VCV001394682.6), dbSNP rs369834971, ClinGen allele CA7170000.